The following is an entry in ClinVar:

NM_002187.3(IL12B):c.660T>A (p.Tyr220Ter)

Gene: IL12B (interleukin 12B; minus strand). Cytogenetic location: 5q33.3.
Variant type: single nucleotide variant.
Coding change: c.660T>A on transcript NM_002187.3 (MANE Select); coding-DNA position 660, T replaced by A.
Protein change: p.Tyr220Ter; replaces tyrosine 220 with a stop codon.
Molecular consequence: nonsense.
Genome position (GRCh38, 1-based): chr5:159,320,343, A>T on the plus strand (T>A on the coding strand, the complement: IL12B is on the minus strand). VCF-style: chr5-159320343-A-T. GRCh37 (hg19) VCF-style: chr5-158747351-A-T.
Other names: short protein forms Y220*.
Identifiers: ClinVar variation 632459 (VCV000632459.11), dbSNP rs748215576, ClinGen allele CA3538750.

ClinVar aggregate classification (germline): Pathogenic/Likely pathogenic. Review status: criteria provided, multiple submitters, no conflicts (2 of 4 stars). 2 submissions from 2 submitters: Pathogenic (1); Likely pathogenic (1). Last evaluated 2022-10-09.

Conditions:
Mendelian susceptibility to mycobacterial diseases due to complete IL12B deficiency. Also called: IL12B DEFICIENCY; Immunodeficiency 29. Identifiers: Orphanet 319558, MedGen C4013948, MONDO:0013954, OMIM 614890.
IL12B-related disorder. Also called: IL12B-related condition.

Allele frequency attached by ClinVar (database versions not stated): ExAC 0.00002; gnomAD exomes 0.00002 and 0.00004; TOPMed 0.00002; gnomAD 0.00003 and 0.00004.

Submissions (2):

Labcorp Genetics (formerly Invitae), Labcorp
Classification: Pathogenic for Mendelian susceptibility to mycobacterial diseases due to complete IL12B deficiency. Last evaluated: 2022-10-09. Review status: criteria provided, single submitter. Criteria: Invitae Variant Classification Sherloc (09022015). Collection method: clinical testing. Allele origin: germline.
Comment: For these reasons, this variant has been classified as Pathogenic. Algorithms developed to predict the effect of sequence changes on RNA splicing suggest that this variant may create or strengthen a splice site. ClinVar contains an entry for this variant (Variation ID: 632459). This variant has not been reported in the literature in individuals affected with IL12B-related conditions. This variant is present in population databases (rs748215576, gnomAD 0.004%). This sequence change creates a premature translational stop signal (p.Tyr220*) in the IL12B gene. It is expected to result in an absent or disrupted protein product. Loss-of-function variants in IL12B are known to be pathogenic (PMID: 11753820, 23429356).

PreventionGenetics, part of Exact Sciences
Classification: Likely pathogenic for IL12B-related condition. Last evaluated: 2022-08-25. Review status: criteria provided, single submitter. Criteria: ACMG Guidelines, 2015. Collection method: clinical testing. Allele origin: germline.
Comment: The IL12B c.660T>A variant is predicted to result in premature protein termination (p.Tyr220*). To our knowledge, this variant has not been reported in the literature. This variant is reported in 0.0039% of alleles in individuals of European (Non-Finnish) descent in gnomAD. Truncating variants in IL12B are expected to be pathogenic. This variant is interpreted as likely pathogenic.

Literature cited by the submitters: PubMed 11753820 (cited by Labcorp Genetics (formerly Invitae), Labcorp); PubMed 23429356 (cited by Labcorp Genetics (formerly Invitae), Labcorp).